The following is an entry in ClinVar:

NM_000382.3(ALDH3A2):c.636T>A (p.Ser212Arg)

Gene: ALDH3A2 (aldehyde dehydrogenase 3 family member A2; plus strand). Cytogenetic location: 17p11.2.
Variant type: single nucleotide variant.
Coding change: c.636T>A on transcript NM_000382.3 (MANE Select); coding-DNA position 636, T replaced by A.
Protein change: p.Ser212Arg; replaces serine 212 with arginine.
Molecular consequence: missense variant.
Genome position (GRCh38, 1-based): chr17:19,656,530, T>A. VCF-style: chr17-19656530-T-A. GRCh37 (hg19) VCF-style: chr17-19559843-T-A.
Other names: c.636T>A, p.Ser212Arg (NM_001031806.2, NM_001369136.1, NM_001369137.2 and 3 more transcripts); c.57T>A, p.Ser19Arg (NM_001369148.2); short protein forms S212R, S19R.
Identifiers: ClinVar variation 2045727 (VCV002045727.4), dbSNP rs2544372409, ClinGen allele CA398706584.
Genomic context (GRCh38, chr17:19,656,530, plus strand): 5'-TGTCATGGAAGCTGCTGCCAAGCATCTGACCCCTGTGACTCTTGAACTGGGAGGGAAAAG[T>A]CCATGTTATATTGATAAAGATTGTGACCTGGACATTGTTTGCAGGTGAGTCTGGCTCTCT-3'
Protein context (NP_000373.1, residues 202-222): TPVTLELGGK[Ser212Arg]PCYIDKDCDL

ClinVar aggregate classification (germline): Likely pathogenic (1 of 4 stars; one submission).

Submission:

Labcorp Genetics (formerly Invitae), Labcorp
Classification: Likely pathogenic. Last evaluated: 2021-12-21. Review status: criteria provided, single submitter. Criteria: Invitae Variant Classification Sherloc (09022015). Collection method: clinical testing. Allele origin: germline.
Comment: This sequence change replaces serine, which is neutral and polar, with arginine, which is basic and polar, at codon 212 of the ALDH3A2 protein (p.Ser212Arg). This variant is not present in population databases (gnomAD no frequency). This missense change has been observed in individual(s) with Sjögren-Larsson syndrome (PMID: 16794583). In at least one individual the data is consistent with being in trans (on the opposite chromosome) from a pathogenic variant. Advanced modeling of protein sequence and biophysical properties (such as structural, functional, and spatial information, amino acid conservation, physicochemical variation, residue mobility, and thermodynamic stability) performed at Invitae indicates that this missense variant is expected to disrupt ALDH3A2 protein function. In summary, the currently available evidence indicates that the variant is pathogenic, but additional data are needed to prove that conclusively. Therefore, this variant has been classified as Likely Pathogenic.

Literature cited by the submitters: PubMed 16794583.